The following is an entry in ClinVar:

NM_016219.5(MAN1B1):c.1731C>G (p.Tyr577Ter)

Gene: MAN1B1 (mannosidase alpha class 1B member 1; plus strand). Cytogenetic location: 9q34.3.
Variant type: single nucleotide variant.
Coding change: c.1731C>G on transcript NM_016219.5 (MANE Select); coding-DNA position 1731, C replaced by G.
Protein change: p.Tyr577Ter; replaces tyrosine 577 with a stop codon.
Molecular consequence: nonsense. On other transcripts: non-coding transcript variant (2).
Genome position (GRCh38, 1-based): chr9:137,107,414, C>G. VCF-style: chr9-137107414-C-G. GRCh37 (hg19) VCF-style: chr9-140001866-C-G.
Other names: short protein forms Y577*.
Identifiers: ClinVar variation 3701326 (VCV003701326.2).

ClinVar aggregate classification (germline): Pathogenic (1 of 4 stars; one submission).

Conditions:
Rafiq syndrome (RAFQS). Identifiers: Orphanet 88616, MedGen C3280127, MONDO:0013624, OMIM 614202.

Submission:

Labcorp Genetics (formerly Invitae), Labcorp
Classification: Pathogenic for Rafiq syndrome. Last evaluated: 2025-02-24. Review status: criteria provided, single submitter. Criteria: Invitae Variant Classification Sherloc (09022015). Collection method: clinical testing. Allele origin: germline.
Comment: This sequence change creates a premature translational stop signal (p.Tyr577*) in the MAN1B1 gene. It is expected to result in an absent or disrupted protein product. Loss-of-function variants in MAN1B1 are known to be pathogenic (PMID: 24566669). This variant is not present in population databases (gnomAD no frequency). This variant has not been reported in the literature in individuals affected with MAN1B1-related conditions. For these reasons, this variant has been classified as Pathogenic.

Literature cited by the submitters: PubMed 24566669.